The following is an entry in ClinVar:

NM_002734.5(PRKAR1A):c.246T>A (p.Ile82=)

Gene: PRKAR1A (protein kinase cAMP-dependent type I regulatory subunit alpha; plus strand). Cytogenetic location: 17q24.2.
Variant type: single nucleotide variant.
Coding change: c.246T>A on transcript NM_002734.5 (MANE Select); coding-DNA position 246, T replaced by A.
Protein change: p.Ile82=; no amino-acid change (isoleucine 82 retained).
Molecular consequence: synonymous variant.
Genome position (GRCh38, 1-based): chr17:68,522,824, T>A. VCF-style: chr17-68522824-T-A. GRCh37 (hg19) VCF-style: chr17-66518965-T-A.
Other names: c.246T>A, p.Ile82= (NM_001276289.2, NM_001276290.1, NM_001278433.2 and 4 more transcripts).
Identifiers: ClinVar variation 1791765 (VCV001791765.31), dbSNP rs2509398888, ClinGen allele CA501527597.

ClinVar aggregate classification (germline): Likely benign. Review status: criteria provided, multiple submitters, no conflicts (2 of 4 stars). 3 submissions from 3 submitters: Likely benign (3). Last evaluated 2024-10-01.

Conditions:
Carney complex, type 1 (CNC1). Also called: CARNEY COMPLEX, TYPE I; CARNEY MYXOMA-ENDOCRINE COMPLEX. Identifiers: Orphanet 1359, MedGen C2607929, MONDO:0008057, OMIM 160980.
Hereditary cancer-predisposing syndrome. Also called: Hereditary neoplastic syndrome; Neoplastic Syndromes, Hereditary; Tumor predisposition; Hereditary Cancer Syndrome. Identifiers: Orphanet 140162, MedGen C0027672, MeSH D009386, MONDO:0015356.

Submissions (3):

CeGaT Center for Human Genetics Tuebingen
Classification: Likely benign. Last evaluated: 2024-10-01. Review status: criteria provided, single submitter. Criteria: CeGaT Center For Human Genetics Tuebingen Variant Classification Criteria Version 2. Collection method: clinical testing. Allele origin: germline. Affected: yes. Observed: 2 variant alleles.
Comment: PRKAR1A: PM2:Supporting, BP4, BP7

Labcorp Genetics (formerly Invitae), Labcorp
Classification: Likely benign for Carney complex, type 1. Last evaluated: 2022-02-18. Review status: criteria provided, single submitter. Criteria: Invitae Variant Classification Sherloc (09022015). Collection method: clinical testing. Allele origin: germline.

Ambry Genetics
Classification: Likely benign for Hereditary cancer-predisposing syndrome. Last evaluated: 2021-09-26. Review status: criteria provided, single submitter. Criteria: Ambry Variant Classification Scheme 2023. Collection method: clinical testing. Allele origin: germline.